The following is an entry in ClinVar:

ClinVar aggregate classification (germline): Uncertain significance (1 of 4 stars; one submission).

gnomAD v4.1: 2 of 1,599,712 alleles (0.00013%); highest among the groups gnomAD compares: African/African-American, 0.0013%; no homozygotes.

Submission:

Labcorp Genetics (formerly Invitae), Labcorp
Classification: Uncertain significance. Last evaluated: 2024-11-11. Review status: criteria provided, single submitter. Criteria: Invitae Variant Classification Sherloc (09022015). Collection method: clinical testing. Allele origin: germline.
Comment: This sequence change replaces glutamic acid, which is acidic and polar, with glycine, which is neutral and non-polar, at codon 403 of the PNPLA8 protein (p.Glu403Gly). This variant is not present in population databases (gnomAD no frequency). This variant has not been reported in the literature in individuals affected with PNPLA8-related conditions. An algorithm developed to predict the effect of missense changes on protein structure and function (PolyPhen-2) suggests that this variant is likely to be tolerated. In summary, the available evidence is currently insufficient to determine the role of this variant in disease. Therefore, it has been classified as a Variant of Uncertain Significance.

NM_001256007.3(PNPLA8):c.1208A>G (p.Glu403Gly)

Gene: PNPLA8 (patatin like domain 8, phospholipase A2; minus strand). Cytogenetic location: 7q31.1.
Variant type: single nucleotide variant.
Coding change: c.1208A>G on transcript NM_001256007.3 (MANE Select); coding-DNA position 1208, A replaced by G.
Protein change: p.Glu403Gly; replaces glutamic acid 403 with glycine.
Molecular consequence: missense variant.
Genome position (GRCh38, 1-based): chr7:108,502,641, T>C on the plus strand (A>G on the coding strand, the complement: PNPLA8 is on the minus strand). VCF-style: chr7-108502641-T-C. GRCh37 (hg19) VCF-style: chr7-108143085-T-C.
Other names: c.1208A>G, p.Glu403Gly (NM_001256008.3, NM_001256009.3, NM_015723.5); c.908A>G, p.Glu303Gly (NM_001256010.3, NM_001256011.3); short protein forms E303G, E403G.
Identifiers: ClinVar variation 3701917 (VCV003701917.2).
Genomic context (GRCh38, chr7:108,502,641, plus strand): 5'-GCAGCCTGAAGAGTTTCATCCTTAATTTGTCTCAGTCGTAATAAATATGGAATAATTCTT[T>C]CCTATATTGAGAGAAAAGATACTTTGTTGCTTTTGTCAAATCAAGACTGAAAATGTATGA-3'
Protein context (NP_001242936.1, residues 393-413): FPEGKGVAVK[Glu403Gly]RIIPYLLRLR